The following is an entry in ClinVar:

ClinVar aggregate classification (germline): Uncertain significance (1 of 4 stars; one submission).

Conditions:
Nemaline myopathy 2 (NEM2). Also called: Nemaline myopathy 2, autosomal recessive. Identifiers: MedGen C1850569, MONDO:0009725, OMIM 256030.

Submission:

Labcorp Genetics (formerly Invitae), Labcorp
Classification: Uncertain significance for Nemaline myopathy 2. Last evaluated: 2022-08-23. Review status: criteria provided, single submitter. Criteria: Invitae Variant Classification Sherloc (09022015). Collection method: clinical testing. Allele origin: germline.
Comment: This sequence change falls in intron 115 of the NEB gene. It does not directly change the encoded amino acid sequence of the NEB protein. It affects a nucleotide within the consensus splice site. This variant is not present in population databases (gnomAD no frequency). In summary, the available evidence is currently insufficient to determine the role of this variant in disease. Therefore, it has been classified as a Variant of Uncertain Significance. Variants that disrupt the consensus splice site are a relatively common cause of aberrant splicing (PMID: 17576681, 9536098). ClinVar contains an entry for this variant (Variation ID: 944179). This variant has not been reported in the literature in individuals affected with NEB-related conditions.

Literature cited by the submitters: PubMed 17576681; PubMed 9536098.

NM_001164508.2(NEB):c.18261+4C>G

Gene: NEB (nebulin; minus strand). Cytogenetic location: 2q23.3.
Variant type: single nucleotide variant.
Coding change: c.18261+4C>G on transcript NM_001164508.2 (MANE Select); 4 bases into the intron after coding-DNA position 18261, C replaced by G.
Molecular consequence: intron variant.
Genome position (GRCh38, 1-based): chr2:151,565,712, G>C on the plus strand (C>G on the coding strand, the complement: NEB is on the minus strand). VCF-style: chr2-151565712-G-C. GRCh37 (hg19) VCF-style: chr2-152422226-G-C.
Other names: c.13158+4C>G (NM_004543.5); c.18261+4C>G (NM_001164507.2, NM_001271208.2).
Identifiers: ClinVar variation 944179 (VCV000944179.7), dbSNP rs757739475, ClinGen allele CA1139657248.